The following is an entry in ClinVar:

ClinVar aggregate classification (germline): Uncertain significance (1 of 4 stars; one submission).

Conditions:
Hypertrophic cardiomyopathy 9. Also called: Familial hypertrophic cardiomyopathy 9. Identifiers: MedGen C1861065, MONDO:0013412, OMIM 613765.

Submission:

Agnes Ginges Centre for Molecular Cardiology, Centenary Institute
Classification: Uncertain significance for Hypertrophic cardiomyopathy 9. Last evaluated: 2017-11-20. Review status: criteria provided, single submitter. Criteria: ACMG Guidelines, 2015. Collection method: research. Allele origin: germline. Affected: yes.
Comment: The TTN c.63302-1G>C variant has not been reported previously and is absent from the Exome Aggregation Consortium dataset, as well as the Genome Aggregation Database. In silico tools SpliceSiteFinder-like, MaxEntScan, NNSPLICE, and Human Splicing Finder all predict that this variant will cause aberrant splicing. In summary, the variant is rare in the general population and multiple In silico tools predict that it will result in abnormal splicing, therefore we classify TTN c.63302-1G>C as a variant of 'uncertain significance'.

NM_001267550.2(TTN):c.68225-1G>C

Genes: TTN (titin; minus strand), TTN-AS1 (TTN antisense RNA 1; plus strand), LOC126806423 (CDK7 strongly-dependent group 2 enhancer GRCh37_chr2:179443309-179444508; plus strand). Cytogenetic location: 2q31.2.
Variant type: single nucleotide variant.
Coding change: c.68225-1G>C on transcript NM_001267550.2 (MANE Select); the canonical splice acceptor site of the intron before coding-DNA position 68225, G replaced by C.
Molecular consequence: splice acceptor variant.
Genome position (GRCh38, 1-based): chr2:178,578,716, C>G on the plus strand (G>C on the coding strand, the complement: TTN is on the minus strand). VCF-style: chr2-178578716-C-G. GRCh37 (hg19) VCF-style: chr2-179443443-C-G.
Other names: c.41030-1G>C (NM_003319.4); c.41606-1G>C (NM_133437.4); c.41405-1G>C (NM_133432.3); c.60521-1G>C (NM_133378.4); c.63302-1G>C (NM_001256850.1).
Identifiers: ClinVar variation 692128 (VCV000692128.3), dbSNP rs1575854773, ClinGen allele CA349673337.